The following is an entry in ClinVar:

NM_203447.4(DOCK8):c.3193C>T (p.Arg1065Trp)

Gene: DOCK8 (dedicator of cytokinesis 8; plus strand). Cytogenetic location: 9p24.3.
Variant type: single nucleotide variant.
Coding change: c.3193C>T on transcript NM_203447.4 (MANE Select); coding-DNA position 3193, C replaced by T.
Protein change: p.Arg1065Trp; replaces arginine 1065 with tryptophan.
Molecular consequence: missense variant.
Genome position (GRCh38, 1-based): chr9:399,218, C>T. VCF-style: chr9-399218-C-T. GRCh37 (hg19) VCF-style: chr9-399218-C-T.
Other names: c.2893C>T, p.Arg965Trp (NM_001190458.2); c.2989C>T, p.Arg997Trp (NM_001193536.2); short protein forms R1065W, R965W, R997W.
Identifiers: ClinVar variation 366967 (VCV000366967.11), dbSNP rs146891937, ClinGen allele CA10630189.

ClinVar aggregate classification (germline): Uncertain significance. Review status: criteria provided, multiple submitters, no conflicts (2 of 4 stars). 3 submissions from 3 submitters: Uncertain significance (3). Last evaluated 2026-02-02.

Conditions:
Combined immunodeficiency due to DOCK8 deficiency (HIES2). Also called: HIES autosomal recessive; Hyper-IgE recurrent infection syndrome, autosomal recessive; HYPER-IgE RECURRENT INFECTION SYNDROME 2, AUTOSOMAL RECESSIVE; HYPER-IgE SYNDROME 2, AUTOSOMAL RECESSIVE, WITH RECURRENT INFECTIONS; DOCK8 Deficiency. Identifiers: Orphanet 217390, MedGen C4722305, MONDO:0009478, OMIM 243700.

Allele frequency attached by ClinVar (database versions not stated): TOPMed 0.00002; gnomAD 0.00003; ESP Exome Variant Server 0.00008.
gnomAD v4.1: 55 of 1,613,800 alleles (0.0034%); highest among the groups gnomAD compares: Admixed American, 0.005%; no homozygotes.

Submissions (3):

Labcorp Genetics (formerly Invitae), Labcorp
Classification: Uncertain significance for Combined immunodeficiency due to DOCK8 deficiency. Last evaluated: 2026-02-02. Review status: criteria provided, single submitter. Criteria: Invitae Variant Classification Sherloc (09022015). Collection method: clinical testing. Allele origin: germline.
Comment: This sequence change replaces arginine, which is basic and polar, with tryptophan, which is neutral and slightly polar, at codon 1065 of the DOCK8 protein (p.Arg1065Trp). This variant is present in population databases (rs146891937, gnomAD 0.009%). This variant has not been reported in the literature in individuals affected with DOCK8-related conditions. ClinVar contains an entry for this variant (Variation ID: 366967). Invitae Evidence Modeling of protein sequence and biophysical properties (such as structural, functional, and spatial information, amino acid conservation, physicochemical variation, residue mobility, and thermodynamic stability) has been performed for this missense variant. However, the output from this modeling did not meet the statistical confidence thresholds required to predict the impact of this variant on DOCK8 protein function. In summary, the available evidence is currently insufficient to determine the role of this variant in disease. Therefore, it has been classified as a Variant of Uncertain Significance.

Illumina Laboratory Services, Illumina
Classification: Uncertain significance for Combined immunodeficiency due to DOCK8 deficiency. Last evaluated: 2018-01-13. Review status: criteria provided, single submitter. Criteria: ICSL Variant Classification Criteria 13 December 2019. Collection method: clinical testing. Allele origin: germline.

Breakthrough Genomics
Classification: Uncertain significance. Review status: criteria provided, single submitter. Criteria: ACMG Guidelines, 2015. Collection method: not provided. Allele origin: germline. Inheritance: Autosomal recessive inheritance. Affected: yes.